The following is an entry in ClinVar:

ClinVar aggregate classification (germline): Uncertain significance (1 of 4 stars; one submission).

Conditions:
Duchenne muscular dystrophy (DMD). Also called: Duchenne Muscular Dystrophy (DMD); MUSCULAR DYSTROPHY, PSEUDOHYPERTROPHIC PROGRESSIVE, DUCHENNE TYPE. Identifiers: Orphanet 98896, MedGen C0013264, MONDO:0010679, OMIM 310200.

Submission:

Labcorp Genetics (formerly Invitae), Labcorp
Classification: Uncertain significance for Duchenne muscular dystrophy. Last evaluated: 2021-08-24. Review status: criteria provided, single submitter. Criteria: Invitae Variant Classification Sherloc (09022015). Collection method: clinical testing. Allele origin: germline.
Comment: This sequence change replaces proline with threonine at codon 2068 of the DMD protein (p.Pro2068Thr). The proline residue is moderately conserved and there is a small physicochemical difference between proline and threonine. This variant is not present in population databases (ExAC no frequency). This variant has not been reported in the literature in individuals affected with DMD-related conditions. Algorithms developed to predict the effect of missense changes on protein structure and function are either unavailable or do not agree on the potential impact of this missense change (SIFT: "Tolerated"; PolyPhen-2: "Possibly Damaging"; Align-GVGD: "Class C0"). In summary, the available evidence is currently insufficient to determine the role of this variant in disease. Therefore, it has been classified as a Variant of Uncertain Significance.

NM_004006.3(DMD):c.6202C>A (p.Pro2068Thr)

Gene: DMD (dystrophin; minus strand). Cytogenetic location: Xp21.1.
Variant type: single nucleotide variant.
Coding change: c.6202C>A on transcript NM_004006.3 (MANE Select); coding-DNA position 6202, C replaced by A.
Protein change: p.Pro2068Thr; replaces proline 2068 with threonine.
Molecular consequence: missense variant.
Genome position (GRCh38, 1-based): chrX:32,287,617, G>T on the plus strand (C>A on the coding strand, the complement: DMD is on the minus strand). VCF-style: chrX-32287617-G-T. GRCh37 (hg19) VCF-style: chrX-32305734-G-T.
Other names: c.6178C>A, p.Pro2060Thr (NM_000109.4); c.6190C>A, p.Pro2064Thr (NM_004009.3); c.5833C>A, p.Pro1945Thr (NM_004010.3); c.2179C>A, p.Pro727Thr (NM_004011.4); c.2170C>A, p.Pro724Thr (NM_004012.4); short protein forms P1945T, P2060T, P724T, P727T, P2064T, P2068T.
Identifiers: ClinVar variation 1504428 (VCV001504428.5), dbSNP rs759958716, ClinGen allele CA412666097.